The following is an entry in ClinVar:

NM_000540.3(RYR1):c.2897C>T (p.Pro966Leu)

Gene: RYR1 (ryanodine receptor 1; plus strand). Cytogenetic location: 19q13.2.
Variant type: single nucleotide variant.
Coding change: c.2897C>T on transcript NM_000540.3 (MANE Select); coding-DNA position 2897, C replaced by T.
Protein change: p.Pro966Leu; replaces proline 966 with leucine.
Molecular consequence: missense variant.
Genome position (GRCh38, 1-based): chr19:38,466,117, C>T. VCF-style: chr19-38466117-C-T. GRCh37 (hg19) VCF-style: chr19-38956757-C-T.
Other names: c.2897C>T, p.Pro966Leu (NM_001042723.2); short protein forms P966L.
Identifiers: ClinVar variation 845794 (VCV000845794.16), dbSNP rs143179371, ClinGen allele CA064173.

ClinVar aggregate classification (germline): Conflicting classifications of pathogenicity. Review status: criteria provided, conflicting classifications (1 of 4 stars). 7 submissions from 7 submitters: Likely pathogenic (1); Uncertain significance (6). Last evaluated 2025-07-14.

Conditions:
RYR1-related disorder. Also called: RYR1-related condition; RYR1-related disorders. Identifiers: MedGen CN239331.
Congenital myopathy with fiber type disproportion. Also called: Congenital fiber-type disproportion myopathy; Congenital fiber-type disproportion. Identifiers: Orphanet 2020, MedGen C0546264, MONDO:0009711. Inheritance: all.
Central core myopathy (CMYO1A). Also called: CONGENITAL MYOPATHY 1A, AUTOSOMAL DOMINANT, WITH SUSCEPTIBILITY TO MALIGNANT HYPERTHERMIA; Central core disease; Myopathy, central fibrillar. Identifiers: Orphanet 597, MedGen C5830701, MONDO:0007294, OMIM 117000.
King Denborough syndrome (KDS). Identifiers: MedGen C1840365, MONDO:0020485, OMIM 619542.
Malignant hyperthermia, susceptibility to, 1 (MHS1). Also called: Anesthesia related hyperthermia; Malignant hyperpyrexia; Fulminating hyperpyrexia; Pharmacogenic myopathy; RYR1-Related Malignant Hyperthermia Susceptibility; Malignant hyperthermia suceptibility 1. Identifiers: Orphanet 423, MedGen C2930980, MONDO:0007783, OMIM 145600.
Congenital multicore myopathy with external ophthalmoplegia (CMYO1B). Also called: MULTICORE MYOPATHY; Minicore myopathy with external ophthalmoplegia; MULTIMINICORE DISEASE WITH EXTERNAL OPHTHALMOPLEGIA; Congenital myopathy 1B, autosomal recessive; Minicore myopathy. Identifiers: Orphanet 598, Orphanet 98905, MedGen C1850674, MONDO:0009712, OMIM 255320, HP:0003789.

Allele frequency attached by ClinVar (database versions not stated): gnomAD 0.00001; ExAC 0.00002; gnomAD exomes 0.00002; TOPMed 0.00002; ESP Exome Variant Server 0.00015.
gnomAD v4.1: 35 of 1,612,132 alleles (0.0022%); highest among the groups gnomAD compares: African/African-American, 0.008%; no homozygotes.

Submissions (7):

PreventionGenetics, part of Exact Sciences
Classification: Uncertain significance for RYR1-related condition. Last evaluated: 2025-07-14. Review status: criteria provided, single submitter. Criteria: ACMG Guidelines, 2015. Collection method: clinical testing. Allele origin: germline.
Comment: The RYR1 c.2897C>T variant is predicted to result in the amino acid substitution p.Pro966Leu. This variant has been reported, alone and along with another variant in RYR1, in a study of individuals with congenital myopathies or unexplained limb-girdle weakness (Witting et al. 2017. PubMed ID: 28357410; Table S1, Westra et al. 2019. PubMed ID: 31127727; Supplementary Table 4, Töpf et al. 2020. PubMed ID: 32528171). It has also been reported with uncertain significance in a study of actionable genotypes and association with life span in an Icelandic population (Table S16, Jensson et al. 2023. PubMed ID: 37937776). This variant is reported in 0.0082% of alleles in individuals of African descent in gnomAD. At this time, the clinical significance of this variant is uncertain due to the absence of conclusive functional and genetic evidence.

Labcorp Genetics (formerly Invitae), Labcorp
Classification: Likely pathogenic for RYR1-related disorder. Last evaluated: 2025-06-30. Review status: criteria provided, single submitter. Criteria: Invitae Variant Classification Sherloc (09022015). Collection method: clinical testing. Allele origin: germline.
Comment: This sequence change replaces proline, which is neutral and non-polar, with leucine, which is neutral and non-polar, at codon 966 of the RYR1 protein (p.Pro966Leu). This variant is present in population databases (rs143179371, gnomAD 0.009%). This missense change has been observed in individuals with autosomal recessive myopathy and/or clinical features of RYR1-related conditions (PMID: 28357410, 31127727, 32528171, 37937776; internal data). ClinVar contains an entry for this variant (Variation ID: 845794). Invitae Evidence Modeling of protein sequence and biophysical properties (such as structural, functional, and spatial information, amino acid conservation, physicochemical variation, residue mobility, and thermodynamic stability) indicates that this missense variant is expected to disrupt RYR1 protein function with a positive predictive value of 95%. In summary, the currently available evidence indicates that the variant is pathogenic, but additional data are needed to prove that conclusively. Therefore, this variant has been classified as Likely Pathogenic.

All of Us Research Program, National Institutes of Health
Classification: Uncertain significance for Malignant hyperthermia, susceptibility to, 1. Last evaluated: 2024-07-29. Review status: criteria provided, single submitter. Criteria: ACMG Guidelines, 2015. Collection method: clinical testing. Allele origin: germline. Inheritance: Autosomal dominant inheritance. Observed: 7 variant alleles, 7 heterozygotes.
Comment: This missense variant replaces proline with leucine at codon 966 of the RYR1 protein. Computational prediction suggests that this variant may have deleterious impact on protein structure and function (internally defined REVEL score threshold >= 0.7, PMID: 27666373). To our knowledge, functional studies have not been reported for this variant. This variant has not been reported in individuals affected with autosomal dominant malignant hyperthermia susceptibility, although it has been reported in individuals affected with myopathy (PMID: 28357410, 31127727). This variant has not been identified in the general population by the Genome Aggregation Database (gnomAD). The available evidence is insufficient to determine the role of this variant in disease conclusively. Therefore, this variant is classified as a Variant of Uncertain Significance.

This study involves interpretation of variants in research participants for the purpose of population health screening. Participant phenotype was not available at the time of variant classification. Additional details can be found in publication PMID: 35346344, PMCID: PMC8962531

Color Diagnostics, LLC DBA Color Health
Classification: Uncertain significance for Malignant hyperthermia, susceptibility to, 1. Last evaluated: 2024-07-18. Review status: criteria provided, single submitter. Criteria: ACMG Guidelines, 2015. Collection method: clinical testing. Allele origin: germline.
Comment: This missense variant replaces proline with leucine at codon 966 of the RYR1 protein. Computational prediction suggests that this variant may have deleterious impact on protein structure and function. To our knowledge, functional studies have not been reported for this variant. This variant has not been reported in individuals affected with autosomal dominant malignant hyperthermia susceptibility, although it has been reported in individuals affected with autosomal recessive myopathy (PMID: 28357410, 31127727). This variant has not been identified in the general population by the Genome Aggregation Database (gnomAD). The available evidence is insufficient to determine the role of this variant in disease conclusively. Therefore, this variant is classified as a Variant of Uncertain Significance.

Genomic Medicine Center of Excellence, King Faisal Specialist Hospital and Research Centre
Classification: Uncertain significance for Central core myopathy. Last evaluated: 2024-03-29. Review status: criteria provided, single submitter. Criteria: ACMG Guidelines, 2015. Collection method: clinical testing. Allele origin: germline.

Fulgent Genetics
Classification: Uncertain significance for Central core myopathy; Malignant hyperthermia, susceptibility to, 1; Congenital myopathy 4A, autosomal dominant; Congenital multicore myopathy with external ophthalmoplegia; King Denborough syndrome. Last evaluated: 2021-08-19. Review status: criteria provided, single submitter. Criteria: ACMG Guidelines, 2015. Collection method: clinical testing. Allele origin: unknown.

Revvity Omics, Revvity
Classification: Uncertain significance. Last evaluated: 2021-05-12. Review status: criteria provided, single submitter. Criteria: ACMG Guidelines, 2015. Collection method: clinical testing. Allele origin: germline.

Literature cited by the submitters: PubMed 28357410 (cited by 3 submitters); PubMed 31127727 (cited by 3 submitters); PubMed 32528171 (cited by Labcorp Genetics (formerly Invitae), Labcorp); PubMed 37937776 (cited by Labcorp Genetics (formerly Invitae), Labcorp).